The following is an entry in ClinVar:

ClinVar aggregate classification (germline): Uncertain significance (1 of 4 stars; one submission).

Allele frequency attached by ClinVar (database versions not stated): TOPMed below 0.00001; gnomAD 0.00001.
gnomAD v4.1: 1 of 1,522,918 alleles (0.000066%); highest among the groups gnomAD compares: Non-Finnish European, 0.000088%; no homozygotes.

Submission:

Labcorp Genetics (formerly Invitae), Labcorp
Classification: Uncertain significance. Last evaluated: 2023-10-18. Review status: criteria provided, single submitter. Criteria: Invitae Variant Classification Sherloc (09022015). Collection method: clinical testing. Allele origin: germline.
Comment: This sequence change replaces alanine, which is neutral and non-polar, with glycine, which is neutral and non-polar, at codon 7 of the FBXO11 protein (p.Ala7Gly). This variant is not present in population databases (gnomAD no frequency). This variant has not been reported in the literature in individuals affected with FBXO11-related conditions. Experimental studies and prediction algorithms are not available or were not evaluated, and the functional significance of this variant is currently unknown. In summary, the available evidence is currently insufficient to determine the role of this variant in disease. Therefore, it has been classified as a Variant of Uncertain Significance.

NM_001190274.2(FBXO11):c.20C>G (p.Ala7Gly)

Genes: FBXO11 (F-box protein 11; minus strand), LOC100506235 (uncharacterized LOC100506235; plus strand). Cytogenetic location: 2p16.3.
Variant type: single nucleotide variant.
Coding change: c.20C>G on transcript NM_001190274.2 (MANE Select); coding-DNA position 20, C replaced by G.
Protein change: p.Ala7Gly; replaces alanine 7 with glycine.
Molecular consequence: missense variant. On other transcripts: non-coding transcript variant (1).
Genome position (GRCh38, 1-based): chr2:47,905,701, G>C on the plus strand (C>G on the coding strand, the complement: FBXO11 is on the minus strand). VCF-style: chr2-47905701-G-C. GRCh37 (hg19) VCF-style: chr2-48132840-G-C.
Other names: short protein forms A7G.
Identifiers: ClinVar variation 2867305 (VCV002867305.3), dbSNP rs1211533218, ClinGen allele CA346813166.